The following is an entry in ClinVar:

NM_006231.4(POLE):c.6658-3C>G

Gene: POLE (DNA polymerase epsilon, catalytic subunit; minus strand). Cytogenetic location: 12q24.33.
Variant type: single nucleotide variant.
Coding change: c.6658-3C>G on transcript NM_006231.4 (MANE Select); 3 bases into the intron before coding-DNA position 6658, C replaced by G.
Molecular consequence: intron variant.
Genome position (GRCh38, 1-based): chr12:132,624,997, G>C on the plus strand (C>G on the coding strand, the complement: POLE is on the minus strand). VCF-style: chr12-132624997-G-C. GRCh37 (hg19) VCF-style: chr12-133201583-G-C.
Identifiers: ClinVar variation 972561 (VCV000972561.9), dbSNP rs2041802587, ClinGen allele CA1139662968.

ClinVar aggregate classification (germline): Uncertain significance (1 of 4 stars; one submission).

Submission:

Labcorp Genetics (formerly Invitae), Labcorp
Classification: Uncertain significance. Last evaluated: 2019-10-10. Review status: criteria provided, single submitter. Criteria: Invitae Variant Classification Sherloc (09022015). Collection method: clinical testing. Allele origin: germline.
Comment: In summary, the available evidence is currently insufficient to determine the role of this variant in disease. Therefore, it has been classified as a Variant of Uncertain Significance. This sequence change falls in intron 47 of the POLE gene. It does not directly change the encoded amino acid sequence of the POLE protein, but it affects a nucleotide within the consensus splice site of the intron. This variant is not present in population databases (ExAC no frequency). Nucleotide substitutions within the consensus splice site are a relatively common cause of aberrant splicing (PMID: 17576681, 9536098). Algorithms developed to predict the effect of sequence changes on RNA splicing suggest that this variant may disrupt the consensus splice site, but this prediction has not been confirmed by published transcriptional studies. This variant has not been reported in the literature in individuals with POLE-related conditions.

Literature cited by the submitters: PubMed 17576681; PubMed 9536098.